The following is an entry in ClinVar:

ClinVar aggregate classification (germline): Uncertain significance (1 of 4 stars; one submission).

gnomAD v4.1: 2 of 1,613,972 alleles (0.00012%); highest among the groups gnomAD compares: Non-Finnish European, 0.00017%; no homozygotes.

Submission:

Ambry Genetics
Classification: Uncertain significance. Last evaluated: 2024-10-06. Review status: criteria provided, single submitter. Criteria: Ambry Variant Classification Scheme 2023. Collection method: clinical testing. Allele origin: germline.
Comment: The p.P646A variant (also known as c.1936C>G), located in coding exon 9 of the PALLD gene, results from a C to G substitution at nucleotide position 1936. The proline at codon 646 is replaced by alanine, an amino acid with highly similar properties. This amino acid position is conserved. In addition, the in silico prediction for this alteration is inconclusive. Based on the available evidence, the clinical significance of this variant remains unclear.

NM_001166108.2(PALLD):c.1936C>G (p.Pro646Ala)

Gene: PALLD (palladin, cytoskeletal associated protein; plus strand). Cytogenetic location: 4q32.3.
Variant type: single nucleotide variant.
Coding change: c.1936C>G on transcript NM_001166108.2 (MANE Select); coding-DNA position 1936, C replaced by G.
Protein change: p.Pro646Ala; replaces proline 646 with alanine.
Molecular consequence: missense variant.
Genome position (GRCh38, 1-based): chr4:168,711,895, C>G. VCF-style: chr4-168711895-C-G. GRCh37 (hg19) VCF-style: chr4-169633046-C-G.
Other names: c.790C>G, p.Pro264Ala (NM_001166109.2); c.1936C>G, p.Pro646Ala (NM_016081.4); short protein forms P264A, P646A.
Identifiers: ClinVar variation 3413551 (VCV003413551.1).